The following is an entry in ClinVar:

NM_004369.4(COL6A3):c.5149G>A (p.Ala1717Thr)

Gene: COL6A3 (collagen type VI alpha 3 chain; minus strand). Cytogenetic location: 2q37.3.
Variant type: single nucleotide variant.
Coding change: c.5149G>A on transcript NM_004369.4 (MANE Select); coding-DNA position 5149, G replaced by A.
Protein change: p.Ala1717Thr; replaces alanine 1717 with threonine.
Molecular consequence: missense variant.
Genome position (GRCh38, 1-based): chr2:237,367,038, C>T on the plus strand (G>A on the coding strand, the complement: COL6A3 is on the minus strand). VCF-style: chr2-237367038-C-T. GRCh37 (hg19) VCF-style: chr2-238275681-C-T.
Other names: c.3328G>A, p.Ala1110Thr (NM_057166.5); c.4531G>A, p.Ala1511Thr (NM_057167.4); short protein forms A1110T, A1511T, A1717T.
Identifiers: ClinVar variation 3341462 (VCV003341462.1).

ClinVar aggregate classification (germline): Uncertain significance (1 of 4 stars; one submission).

Conditions:
Ullrich congenital muscular dystrophy 1A. Also called: Intermediate COL6-RD; Ullrich congenital muscular dystrophy 1. Identifiers: Orphanet 75840, MedGen C0410179, MONDO:0009681, OMIM 254090.

gnomAD v4.1: 11 of 1,614,208 alleles (0.00068%); highest among the groups gnomAD compares: South Asian, 0.0022%; no homozygotes.

Submission:

Neuberg Centre For Genomic Medicine, NCGM
Classification: Uncertain significance for Ullrich congenital muscular dystrophy 1A. Last evaluated: 2023-05-20. Review status: criteria provided, single submitter. Criteria: ACMG Guidelines, 2015. Collection method: clinical testing. Allele origin: germline. Inheritance: Autosomal dominant inheritance. Affected: yes.
Comment: The missense c.5149G>A (p.Ala1717Thr) variant in the COL6A3 gene has not been reported previously as a pathogenic variant nor as a benign variant, to our knowledge. This variant is reported with the allele frequency (0.0007%) in the gnomAD Exomes. The amino acid Alanine at position 1717 is changed to a Threonine changing protein sequence and it might alter its composition and physico-chemical properties. Computational evidence (Polyphen - Damaging, SIFT - Tolerated and MutationTaster - Disease causing) predict a damaging effect on protein structure and function for this variant. The amino acid change p.Ala1717Thr in COL6A3 is predicted as conserved by GERP++ and PhyloP across 100 vertebrates. For these reasons, this variant has been classified as Uncertain Significance.